The following is an entry in ClinVar:

ClinVar aggregate classification (germline): Pathogenic (1 of 4 stars; one submission).

Conditions:
Alstrom syndrome (ALMS). Identifiers: Orphanet 64, MedGen C0268425, MONDO:0008763, OMIM 203800.

Submission:

Labcorp Genetics (formerly Invitae), Labcorp
Classification: Pathogenic for Alstrom syndrome. Last evaluated: 2023-02-18. Review status: criteria provided, single submitter. Criteria: Invitae Variant Classification Sherloc (09022015). Collection method: clinical testing. Allele origin: germline.
Comment: For these reasons, this variant has been classified as Pathogenic. This variant has not been reported in the literature in individuals affected with ALMS1-related conditions. This variant is not present in population databases (gnomAD no frequency). This sequence change creates a premature translational stop signal (p.Tyr1770*) in the ALMS1 gene. It is expected to result in an absent or disrupted protein product. Loss-of-function variants in ALMS1 are known to be pathogenic (PMID: 17594715).

Literature cited by the submitters: PubMed 17594715.

NM_001378454.1(ALMS1):c.5307C>G (p.Tyr1769Ter)

Gene: ALMS1 (ALMS1 centrosome and basal body associated protein; plus strand). Cytogenetic location: 2p13.1.
Variant type: single nucleotide variant.
Coding change: c.5307C>G on transcript NM_001378454.1 (MANE Select); coding-DNA position 5307, C replaced by G.
Protein change: p.Tyr1769Ter; replaces tyrosine 1769 with a stop codon.
Molecular consequence: nonsense.
Genome position (GRCh38, 1-based): chr2:73,451,834, C>G. VCF-style: chr2-73451834-C-G. GRCh37 (hg19) VCF-style: chr2-73678961-C-G.
Other names: c.5310C>G, p.Tyr1770Ter (NM_015120.4); short protein forms Y1769*, Y1770*.
Identifiers: ClinVar variation 2838656 (VCV002838656.3), dbSNP rs758678450, ClinGen allele CA347280883.
Genomic context (GRCh38, chr2:73,451,834, plus strand): 5'-TGGGTTATCTACTGTAACTTCCTCTTTCTATTCACATACAGAGAAGCCTAATATTTCTTA[C>G]CAGCAAGAGTTGCCAGATAGTCATCTAACTGAAGAGGCTCTGAAAGTTTCAAATGTTCCT-3'